The following is an entry in ClinVar:

NM_020376.4(PNPLA2):c.1447G>C (p.Gly483Arg)

Gene: PNPLA2 (patatin like domain 2, triacylglycerol lipase; plus strand). Cytogenetic location: 11p15.5.
Variant type: single nucleotide variant.
Coding change: c.1447G>C on transcript NM_020376.4 (MANE Select); coding-DNA position 1447, G replaced by C.
Protein change: p.Gly483Arg; replaces glycine 483 with arginine.
Molecular consequence: missense variant.
Genome position (GRCh38, 1-based): chr11:824,794, G>C. VCF-style: chr11-824794-G-C. GRCh37 (hg19) VCF-style: chr11-824794-G-C.
Other names: short protein forms G483R.
Identifiers: ClinVar variation 465785 (VCV000465785.14), dbSNP rs557790601, ClinGen allele CA5791416.

ClinVar aggregate classification (germline): Conflicting classifications of pathogenicity. Review status: criteria provided, conflicting classifications (1 of 4 stars). 4 submissions from 4 submitters: Uncertain significance (3); Likely benign (1). Last evaluated 2024-11-05.

Conditions:
Neutral lipid storage myopathy (NLSDM). Also called: NEUTRAL LIPID STORAGE DISEASE WITHOUT ICHTHYOSIS. Identifiers: Orphanet 98908, MedGen C1853136, MONDO:0012545, OMIM 610717.

Allele frequency attached by ClinVar (database versions not stated): ExAC 0.00026; 1000 Genomes Project 30x 0.00031; TOPMed 0.00037; 1000 Genomes Project 0.00040; gnomAD 0.00042.
gnomAD v4.1: 1,008 of 1,532,774 alleles (0.066%); highest among the groups gnomAD compares: Non-Finnish European, 0.083%; 1 homozygote.

Submissions (4):

Blueprint Genetics
Classification: Likely benign. Last evaluated: 2024-11-05. Review status: criteria provided, single submitter. Criteria: ACMG Guidelines, 2015. Collection method: clinical testing. Allele origin: germline.

Fulgent Genetics
Classification: Uncertain significance for Neutral lipid storage myopathy. Last evaluated: 2024-03-05. Review status: criteria provided, single submitter. Criteria: ACMG Guidelines, 2015. Collection method: clinical testing. Allele origin: germline.

Labcorp Genetics (formerly Invitae), Labcorp
Classification: Uncertain significance for Neutral lipid storage myopathy. Last evaluated: 2022-09-01. Review status: criteria provided, single submitter. Criteria: Invitae Variant Classification Sherloc (09022015). Collection method: clinical testing. Allele origin: germline.
Comment: This sequence change replaces glycine, which is neutral and non-polar, with arginine, which is basic and polar, at codon 483 of the PNPLA2 protein (p.Gly483Arg). This variant is present in population databases (rs557790601, gnomAD 0.07%). This missense change has been observed in individual(s) with neutral lipid storage disease with myopathy (NLSDM) (PMID: 21544567). ClinVar contains an entry for this variant (Variation ID: 465785). Algorithms developed to predict the effect of missense changes on protein structure and function output the following: SIFT: "Tolerated"; PolyPhen-2: "Benign"; Align-GVGD: "Class C0". The arginine amino acid residue is found in multiple mammalian species, which suggests that this missense change does not adversely affect protein function. Experimental studies have shown that this missense change does not substantially affect PNPLA2 function (PMID: 22990388). In summary, the available evidence is currently insufficient to determine the role of this variant in disease. Therefore, it has been classified as a Variant of Uncertain Significance.

Illumina Laboratory Services, Illumina
Classification: Uncertain significance for Neutral lipid storage myopathy. Last evaluated: 2017-04-27. Review status: criteria provided, single submitter. Criteria: ICSL Variant Classification Criteria 13 December 2019. Collection method: clinical testing. Allele origin: germline.
Comment: This variant was observed as part of a predisposition screen in an ostensibly healthy population. A literature search was performed for the gene, cDNA change, and amino acid change (where applicable). Publications were found based on this search. However, the evidence from the literature, in combination with allele frequency data from public databases where available, was not sufficient to rule this variant in or out of causing disease. Therefore, this variant is classified as a variant of unknown significance.

Literature cited by the submitters: PubMed 21544567 (cited by Labcorp Genetics (formerly Invitae), Labcorp and Illumina Laboratory Services, Illumina); PubMed 22990388 (cited by Labcorp Genetics (formerly Invitae), Labcorp and Illumina Laboratory Services, Illumina); PubMed 23232698 (cited by Illumina Laboratory Services, Illumina).